The following is an entry in ClinVar:

NM_001267550.2(TTN):c.92217A>G (p.Thr30739=)

Genes: TTN (titin; minus strand), TTN-AS1 (TTN antisense RNA 1; plus strand). Cytogenetic location: 2q31.2.
Variant type: single nucleotide variant.
Coding change: c.92217A>G on transcript NM_001267550.2 (MANE Select); coding-DNA position 92217, A replaced by G.
Protein change: p.Thr30739=; no amino-acid change (threonine 30739 retained).
Molecular consequence: synonymous variant.
Genome position (GRCh38, 1-based): chr2:178,549,409, T>C on the plus strand (A>G on the coding strand, the complement: TTN is on the minus strand). VCF-style: chr2-178549409-T-C. GRCh37 (hg19) VCF-style: chr2-179414136-T-C.
Other names: c.87294A>G, p.Thr29098= (NM_001256850.1); c.65022A>G, p.Thr21674= (NM_003319.4); c.84513A>G, p.Thr28171= (NM_133378.4); c.65397A>G, p.Thr21799= (NM_133432.3); c.65598A>G, p.Thr21866= (NM_133437.4).
Identifiers: ClinVar variation 514465 (VCV000514465.1), dbSNP rs1553534899, ClinGen allele CA430243780.

ClinVar aggregate classification (germline): Likely benign (1 of 4 stars; one submission).

Allele frequency attached by ClinVar (database versions not stated): gnomAD exomes below 0.00001.
gnomAD v4.1: 1 of 1,613,712 alleles (0.000062%); highest among the groups gnomAD compares: Non-Finnish European, 0.000085%; no homozygotes.

Submission:

GeneDx
Classification: Likely benign. Last evaluated: 2017-12-28. Review status: criteria provided, single submitter. Criteria: GeneDx Variant Classification (06012015). Collection method: clinical testing. Allele origin: germline. Affected: yes.
Comment: This variant is considered likely benign or benign based on one or more of the following criteria: it is a conservative change, it occurs at a poorly conserved position in the protein, it is predicted to be benign by multiple in silico algorithms, and/or has population frequency not consistent with disease.